The following is an entry in ClinVar:

NM_032217.5(ANKRD17):c.2128A>G (p.Thr710Ala)

Gene: ANKRD17 (ankyrin repeat domain 17; minus strand). Cytogenetic location: 4q13.3.
Variant type: single nucleotide variant.
Coding change: c.2128A>G on transcript NM_032217.5 (MANE Select); coding-DNA position 2128, A replaced by G.
Protein change: p.Thr710Ala; replaces threonine 710 with alanine.
Molecular consequence: missense variant.
Genome position (GRCh38, 1-based): chr4:73,142,343, T>C on the plus strand (A>G on the coding strand, the complement: ANKRD17 is on the minus strand). VCF-style: chr4-73142343-T-C. GRCh37 (hg19) VCF-style: chr4-74008060-T-C.
Other names: c.1789A>G, p.Thr597Ala (NM_001286771.3); c.2128A>G, p.Thr710Ala (NM_015574.2, NM_198889.3); short protein forms T597A, T710A.
Identifiers: ClinVar variation 4880972 (VCV004880972.2).

ClinVar aggregate classification (germline): Uncertain significance (1 of 4 stars; one submission).

Submission:

Dasa
Classification: Uncertain significance. Last evaluated: 2025-11-08. Review status: criteria provided, single submitter. Criteria: DASA Assertion Criteria. Collection method: clinical testing. Allele origin: germline.
Comment: NM_032217.5(ANKRD17):c.2128A>G (p.Thr710Ala) is a missense variant that results in the substitution of threonine with alanine. The affected residue or protein region has prior evidence supporting clinical relevance. This variant is rare in population databases. The currently available literature and clinical evidence are not sufficient to establish a definitive association between this variant and the reported condition. Therefore, this variant is classified as a variant of uncertain significance.